The following is an entry in ClinVar:

NM_017534.6(MYH2):c.5303C>G (p.Ala1768Gly)

Genes: MYHAS (myosin heavy chain gene cluster antisense RNA; plus strand), MYH2 (myosin heavy chain 2; minus strand). Cytogenetic location: 17p13.1.
Variant type: single nucleotide variant.
Coding change: c.5303C>G on transcript NM_017534.6 (MANE Select); coding-DNA position 5303, C replaced by G.
Protein change: p.Ala1768Gly; replaces alanine 1768 with glycine.
Molecular consequence: missense variant.
Genome position (GRCh38, 1-based): chr17:10,523,665, G>C on the plus strand (C>G on the coding strand, the complement: MYH2 is on the minus strand). VCF-style: chr17-10523665-G-C. GRCh37 (hg19) VCF-style: chr17-10426982-G-C.
Other names: c.5303C>G, p.Ala1768Gly (NM_001100112.2); short protein forms A1768G.
Identifiers: ClinVar variation 942934 (VCV000942934.6), dbSNP rs151021565, ClinGen allele CA8390427.
Genomic context (GRCh38, chr17:10,523,665, plus strand): 5'-ATCCGCTCCAGGTGGGCGCTGGTGTCCTGCTCCTTCTTCAGCTCCTCAGCCATCATGGCG[G>C]CCTAAATAGCAAATAAATCAAGAAAACCAAGAAAGTTATAGATGTCAGGAAATCTTACTG-3'
Protein context (NP_060004.3, residues 1758-1778): EEKAKKAITD[Ala1768Gly]AMMAEELKKE

ClinVar aggregate classification (germline): Uncertain significance (1 of 4 stars; one submission).

Conditions:
Myopathy, proximal, and ophthalmoplegia (CMYO6). Also called: MYOPATHY WITH CONGENITAL JOINT CONTRACTURES, OPHTHALMOPLEGIA, AND RIMMED VACUOLES; INCLUSION BODY MYOPATHY 3, AUTOSOMAL DOMINANT; CONGENITAL MYOPATHY 6 WITH OPHTHALMOPLEGIA. Identifiers: Orphanet 363677, Orphanet 79091, MedGen C1854106, MONDO:0011577, OMIM 605637.

Allele frequency attached by ClinVar (database versions not stated): ExAC 0.00002; gnomAD exomes 0.00002; gnomAD 0.00004; TOPMed 0.00004; ESP Exome Variant Server 0.00008.
gnomAD v4.1: 40 of 1,614,092 alleles (0.0025%); highest among the groups gnomAD compares: Non-Finnish European, 0.0033%; no homozygotes.

Submission:

Labcorp Genetics (formerly Invitae), Labcorp
Classification: Uncertain significance for Myopathy, proximal, and ophthalmoplegia. Last evaluated: 2025-07-13. Review status: criteria provided, single submitter. Criteria: Invitae Variant Classification Sherloc (09022015). Collection method: clinical testing. Allele origin: germline.
Comment: This sequence change replaces alanine, which is neutral and non-polar, with glycine, which is neutral and non-polar, at codon 1768 of the MYH2 protein (p.Ala1768Gly). This variant is present in population databases (rs151021565, gnomAD 0.01%). This variant has not been reported in the literature in individuals affected with MYH2-related conditions. ClinVar contains an entry for this variant (Variation ID: 942934). An algorithm developed to predict the effect of missense changes on protein structure and function (PolyPhen-2) suggests that this variant is likely to be disruptive. In summary, the available evidence is currently insufficient to determine the role of this variant in disease. Therefore, it has been classified as a Variant of Uncertain Significance.